The following is an entry in ClinVar:

ClinVar aggregate classification (germline): Likely pathogenic (1 of 4 stars; one submission).

Conditions:
Bifunctional peroxisomal enzyme deficiency (DBIF). Also called: DBP DEFICIENCY; PBFE DEFICIENCY; D-bifunctional protein deficiency. Identifiers: Orphanet 300, MedGen C0342870, MONDO:0009855, OMIM 261515. Disease mechanism: loss of function.

gnomAD v4.1: 2 of 1,610,072 alleles (0.00012%); highest among the groups gnomAD compares: South Asian, 0.0022%; no homozygotes.

Submission:

Natera, Inc.
Classification: Likely pathogenic for Bifunctional peroxisomal enzyme deficiency. Last evaluated: 2025-09-16. Review status: criteria provided, single submitter. Criteria: Natera Variant Classification Schema (03/2026). Collection method: clinical testing. Allele origin: germline.
Comment: The c.622+1G>T variant in HSD17B4 is a canonical splice donor site variant predicted to affect pre-mRNA splicing, which may result in an abnormal transcript and altered protein product. This variant is expected to result in nonsense mediated decay, truncation, or a dysfunctional protein product. This variant is rare in the general population with a frequency below the threshold expected for the associated phenotype(s). Given the available evidence, this variant is classified as Likely Pathogenic.

NM_000414.4(HSD17B4):c.622+1G>T

Gene: HSD17B4 (hydroxysteroid 17-beta dehydrogenase 4; plus strand). Cytogenetic location: 5q23.1.
Variant type: single nucleotide variant.
Coding change: c.622+1G>T on transcript NM_000414.4 (MANE Select); the canonical splice donor site of the intron after coding-DNA position 622, G replaced by T.
Molecular consequence: splice donor variant.
Genome position (GRCh38, 1-based): chr5:119,479,022, G>T. VCF-style: chr5-119479022-G-T. GRCh37 (hg19) VCF-style: chr5-118814717-G-T.
Other names: c.211+1G>T (NM_001374503.1, NM_001374502.1, NM_001374501.1); c.697+1G>T (NM_001199291.3); c.295+1G>T (NM_001374499.1); c.181+1G>T (NM_001374500.1); c.202+1G>T (NM_001292028.2); c.550+1G>T (NM_001292027.2); c.622+1G>T (NM_001374498.1); c.613+1G>T (NM_001374497.1); and 1 more.
Identifiers: ClinVar variation 4818356 (VCV004818356.1).